The following is an entry in ClinVar:

NM_001204.7(BMPR2):c.2200A>G (p.Ile734Val)

Gene: BMPR2 (bone morphogenetic protein receptor type 2; plus strand). Cytogenetic location: 2q33.2.
Variant type: single nucleotide variant.
Coding change: c.2200A>G on transcript NM_001204.7 (MANE Select); coding-DNA position 2200, A replaced by G.
Protein change: p.Ile734Val; replaces isoleucine 734 with valine.
Molecular consequence: missense variant.
Genome position (GRCh38, 1-based): chr2:202,555,865, A>G. VCF-style: chr2-202555865-A-G. GRCh37 (hg19) VCF-style: chr2-203420588-A-G.
Other names: short protein forms I734V.
Identifiers: ClinVar variation 4843359 (VCV004843359.1).

ClinVar aggregate classification (germline): Uncertain significance (1 of 4 stars; one submission).

Conditions:
Inborn genetic diseases. Identifiers: MedGen C0950123, MeSH D030342.

gnomAD v4.1: 2 of 1,614,194 alleles (0.00012%); highest among the groups gnomAD compares: Non-Finnish European, 0.00017%; no homozygotes.

Submission:

Ambry Genetics
Classification: Uncertain significance for Inborn genetic diseases. Last evaluated: 2025-12-21. Review status: criteria provided, single submitter. Criteria: Ambry Variant Classification Scheme 2023. Collection method: clinical testing. Allele origin: germline.
Comment: The p.I734V variant (also known as c.2200A>G), located in coding exon 12 of the BMPR2 gene, results from an A to G substitution at nucleotide position 2200. The isoleucine at codon 734 is replaced by valine, an amino acid with highly similar properties. This amino acid position is conserved. In addition, this alteration is predicted to be tolerated by in silico analysis. Based on the available evidence, the clinical significance of this variant remains unclear.